The following is an entry in ClinVar:

ClinVar aggregate classification (germline): Likely pathogenic (1 of 4 stars; one submission).

Conditions:
Inborn genetic diseases. Identifiers: MedGen C0950123, MeSH D030342.

Submission:

Ambry Genetics
Classification: Likely pathogenic for Inborn genetic diseases. Last evaluated: 2024-10-30. Review status: criteria provided, single submitter. Criteria: Ambry Variant Classification Scheme 2023. Collection method: clinical testing. Allele origin: germline.
Comment: The c.4250T>C (p.I1417T) alteration is located in exon 28 (coding exon 27) of the MTOR gene. This alteration results from a T to C substitution at nucleotide position 4250, causing the isoleucine (I) at amino acid position 1417 to be replaced by a threonine (T). This variant was not reported in population-based cohorts in the Genome Aggregation Database (gnomAD). This amino acid position is highly conserved in available vertebrate species. This alteration is predicted to be deleterious by in silico analysis. Based on the available evidence, this alteration is classified as likely pathogenic.

NM_004958.4(MTOR):c.4250T>C (p.Ile1417Thr)

Gene: MTOR (mechanistic target of rapamycin kinase; minus strand). Cytogenetic location: 1p36.22.
Variant type: single nucleotide variant.
Coding change: c.4250T>C on transcript NM_004958.4 (MANE Select); coding-DNA position 4250, T replaced by C.
Protein change: p.Ile1417Thr; replaces isoleucine 1417 with threonine.
Molecular consequence: missense variant.
Genome position (GRCh38, 1-based): chr1:11,199,261, A>G on the plus strand (T>C on the coding strand, the complement: MTOR is on the minus strand). VCF-style: chr1-11199261-A-G. GRCh37 (hg19) VCF-style: chr1-11259318-A-G.
Other names: c.4250T>C, p.Ile1417Thr (NM_001386500.1); c.3002T>C, p.Ile1001Thr (NM_001386501.1); short protein forms I1001T, I1417T.
Identifiers: ClinVar variation 3399624 (VCV003399624.1).